The following is an entry in ClinVar:

ClinVar aggregate classification (germline): Uncertain significance (1 of 4 stars; one submission).

Conditions:
Epidermodysplasia verruciformis. Identifiers: Orphanet 302, MedGen C0014522, MONDO:0009176.

Allele frequency attached by ClinVar (database versions not stated): TOPMed 0.00003; gnomAD exomes 0.00008; ExAC 0.00012.

Submission:

Labcorp Genetics (formerly Invitae), Labcorp
Classification: Uncertain significance for Epidermodysplasia verruciformis. Last evaluated: 2025-12-23. Review status: criteria provided, single submitter. Criteria: Invitae Variant Classification Sherloc (09022015). Collection method: clinical testing. Allele origin: germline.
Comment: This sequence change replaces arginine, which is basic and polar, with tryptophan, which is neutral and slightly polar, at codon 455 of the TMC8 protein (p.Arg455Trp). This variant is present in population databases (rs560274584, gnomAD 0.01%). This variant has not been reported in the literature in individuals affected with TMC8-related conditions. ClinVar contains an entry for this variant (Variation ID: 863220). Invitae Evidence Modeling of protein sequence and biophysical properties (such as structural, functional, and spatial information, amino acid conservation, physicochemical variation, residue mobility, and thermodynamic stability) indicates that this missense variant is not expected to disrupt TMC8 protein function with a negative predictive value of 80%. In summary, the available evidence is currently insufficient to determine the role of this variant in disease. Therefore, it has been classified as a Variant of Uncertain Significance.

NM_152468.5(TMC8):c.1363C>T (p.Arg455Trp)

Gene: TMC8 (transmembrane channel like 8; plus strand). Cytogenetic location: 17q25.3.
Variant type: single nucleotide variant.
Coding change: c.1363C>T on transcript NM_152468.5 (MANE Select); coding-DNA position 1363, C replaced by T.
Protein change: p.Arg455Trp; replaces arginine 455 with tryptophan.
Molecular consequence: missense variant.
Genome position (GRCh38, 1-based): chr17:78,138,018, C>T. VCF-style: chr17-78138018-C-T. GRCh37 (hg19) VCF-style: chr17-76134099-C-T.
Other names: short protein forms R455W.
Identifiers: ClinVar variation 863220 (VCV000863220.8), dbSNP rs560274584, ClinGen allele CA8796852.